The following is an entry in ClinVar:

ClinVar aggregate classification (germline): Uncertain significance. Review status: criteria provided, multiple submitters, no conflicts (2 of 4 stars). 2 submissions from 2 submitters: Uncertain significance (2). Last evaluated 2025-08-17.

Conditions:
Hereditary spastic paraplegia 11. Also called: Spastic paraplegia, mental retardation and thin corpus callosum; Spastic Paraplegia 11; SPASTIC PARAPLEGIA, AUTOSOMAL RECESSIVE, COMPLICATED, WITH THIN CORPUS CALLOSUM; SPASTIC PARAPLEGIA, AUTOSOMAL RECESSIVE, WITH MENTAL IMPAIRMENT AND THIN CORPUS CALLOSUM; Nakamura Osame syndrome; Autosomal recessive hereditary spastic paraplegia, mental impairment, and thin corpus callosum. Identifiers: Orphanet 2822, MedGen C1858479, MONDO:0011445, OMIM 604360.

gnomAD v4.1: 10 of 1,614,246 alleles (0.00062%); highest among the groups gnomAD compares: Non-Finnish European, 0.00085%; no homozygotes.

Submissions (2):

Labcorp Genetics (formerly Invitae), Labcorp
Classification: Uncertain significance for Hereditary spastic paraplegia 11. Last evaluated: 2025-08-17. Review status: criteria provided, single submitter. Criteria: Invitae Variant Classification Sherloc (09022015). Collection method: clinical testing. Allele origin: germline.
Comment: This sequence change replaces glutamic acid, which is acidic and polar, with aspartic acid, which is acidic and polar, at codon 1874 of the SPG11 protein (p.Glu1874Asp). This variant is not present in population databases (gnomAD no frequency). This variant has not been reported in the literature in individuals affected with SPG11-related conditions. ClinVar contains an entry for this variant (Variation ID: 3571664). Invitae Evidence Modeling of protein sequence and biophysical properties (such as structural, functional, and spatial information, amino acid conservation, physicochemical variation, residue mobility, and thermodynamic stability) indicates that this missense variant is not expected to disrupt SPG11 protein function with a negative predictive value of 80%. In summary, the available evidence is currently insufficient to determine the role of this variant in disease. Therefore, it has been classified as a Variant of Uncertain Significance.

Athena Diagnostics
Classification: Uncertain significance. Last evaluated: 2023-12-13. Review status: criteria provided, single submitter. Criteria: Athena Diagnostics Criteria. Collection method: clinical testing. Allele origin: unknown.
Comment: Available data are insufficient to determine the clinical significance of the variant at this time. This variant has not been reported in large, multi-ethnic general populations. Computational tools disagree on the variant's effect on normal protein function.

NM_025137.4(SPG11):c.5622G>T (p.Glu1874Asp)

Gene: SPG11 (SPG11 vesicle trafficking associated, spatacsin; minus strand). Cytogenetic location: 15q21.1.
Variant type: single nucleotide variant.
Coding change: c.5622G>T on transcript NM_025137.4 (MANE Select); coding-DNA position 5622, G replaced by T.
Protein change: p.Glu1874Asp; replaces glutamic acid 1874 with aspartic acid.
Molecular consequence: missense variant.
Genome position (GRCh38, 1-based): chr15:44,584,058, C>A on the plus strand (G>T on the coding strand, the complement: SPG11 is on the minus strand). VCF-style: chr15-44584058-C-A. GRCh37 (hg19) VCF-style: chr15-44876256-C-A.
Other names: c.5622G>T, p.Glu1874Asp (NM_001160227.2); c.5478G>T, p.Glu1826Asp (NM_001411132.1); short protein forms E1826D, E1874D.
Identifiers: ClinVar variation 3571664 (VCV003571664.2).